The following is an entry in ClinVar:

ClinVar aggregate classification (germline): Likely benign (1 of 4 stars; one submission).

Submission:

GeneDx
Classification: Likely benign. Last evaluated: 2017-04-28. Review status: criteria provided, single submitter. Criteria: GeneDx Variant Classification (06012015). Collection method: clinical testing. Allele origin: germline. Affected: yes.
Comment: This variant is considered likely benign or benign based on one or more of the following criteria: it is a conservative change, it occurs at a poorly conserved position in the protein, it is predicted to be benign by multiple in silico algorithms, and/or has population frequency not consistent with disease.

NM_002180.3(IGHMBP2):c.548-19G>T

Gene: IGHMBP2 (immunoglobulin mu DNA binding protein 2; plus strand). Cytogenetic location: 11q13.3.
Variant type: single nucleotide variant.
Coding change: c.548-19G>T on transcript NM_002180.3 (MANE Select); 19 bases into the intron before coding-DNA position 548, G replaced by T.
Molecular consequence: intron variant.
Genome position (GRCh38, 1-based): chr11:68,911,421, G>T. VCF-style: chr11-68911421-G-T. GRCh37 (hg19) VCF-style: chr11-68678889-G-T.
Identifiers: ClinVar variation 509149 (VCV000509149.1), dbSNP rs1052895374, ClinGen allele CA658797696.